The following is an entry in ClinVar:

NM_001287.6(CLCN7):c.142-3T>C

Gene: CLCN7 (chloride voltage-gated channel 7; minus strand). Cytogenetic location: 16p13.3.
Variant type: single nucleotide variant.
Coding change: c.142-3T>C on transcript NM_001287.6 (MANE Select); 3 bases into the intron before coding-DNA position 142, T replaced by C.
Molecular consequence: intron variant.
Genome position (GRCh38, 1-based): chr16:1,465,341, A>G on the plus strand (T>C on the coding strand, the complement: CLCN7 is on the minus strand). VCF-style: chr16-1465341-A-G. GRCh37 (hg19) VCF-style: chr16-1515342-A-G.
Other names: c.142-3667T>C (NM_001114331.3).
Identifiers: ClinVar variation 1366066 (VCV001366066.6), dbSNP rs2142396240, ClinGen allele CA2573151723.

ClinVar aggregate classification (germline): Uncertain significance (1 of 4 stars; one submission).

Submission:

Labcorp Genetics (formerly Invitae), Labcorp
Classification: Uncertain significance. Last evaluated: 2024-12-20. Review status: criteria provided, single submitter. Criteria: Invitae Variant Classification Sherloc (09022015). Collection method: clinical testing. Allele origin: germline.
Comment: This sequence change falls in intron 1 of the CLCN7 gene. It does not directly change the encoded amino acid sequence of the CLCN7 protein. It affects a nucleotide within the consensus splice site. This variant is not present in population databases (gnomAD no frequency). This variant has not been reported in the literature in individuals affected with CLCN7-related conditions. ClinVar contains an entry for this variant (Variation ID: 1366066). Variants that disrupt the consensus splice site are a relatively common cause of aberrant splicing (PMID: 17576681, 9536098). Algorithms developed to predict the effect of sequence changes on RNA splicing suggest that this variant is not likely to affect RNA splicing. In summary, the available evidence is currently insufficient to determine the role of this variant in disease. Therefore, it has been classified as a Variant of Uncertain Significance.

Literature cited by the submitters: PubMed 17576681; PubMed 9536098.